The following is an entry in ClinVar:

ClinVar aggregate classification (germline): Uncertain significance. Review status: criteria provided, multiple submitters, no conflicts (2 of 4 stars). 2 submissions from 2 submitters: Uncertain significance (2). Last evaluated 2022-08-23.

Conditions:
Familial hemophagocytic lymphohistiocytosis 5. Also called: STXBP2-Related Familial Hemophagocytic Lymphohistiocytosis (STXBP2-fHLH). Identifiers: Orphanet 540, MedGen C2751293, MONDO:0013135, OMIM 613101.

Allele frequency attached by ClinVar (database versions not stated): TOPMed 0.00001.

Submissions (2):

Labcorp Genetics (formerly Invitae), Labcorp
Classification: Uncertain significance for Familial hemophagocytic lymphohistiocytosis 5. Last evaluated: 2022-08-23. Review status: criteria provided, single submitter. Criteria: Invitae Variant Classification Sherloc (09022015). Collection method: clinical testing. Allele origin: germline.
Comment: This sequence change replaces valine, which is neutral and non-polar, with leucine, which is neutral and non-polar, at codon 487 of the STXBP2 protein (p.Val487Leu). The frequency data for this variant in the population databases is considered unreliable, as metrics indicate poor data quality at this position in the gnomAD database. This variant has not been reported in the literature in individuals affected with STXBP2-related conditions. ClinVar contains an entry for this variant (Variation ID: 330558). Algorithms developed to predict the effect of missense changes on protein structure and function (SIFT, PolyPhen-2, Align-GVGD) all suggest that this variant is likely to be tolerated. In summary, the available evidence is currently insufficient to determine the role of this variant in disease. Therefore, it has been classified as a Variant of Uncertain Significance.

Illumina Laboratory Services, Illumina
Classification: Uncertain significance for Familial hemophagocytic lymphohistiocytosis 5. Last evaluated: 2018-01-13. Review status: criteria provided, single submitter. Criteria: ICSL Variant Classification Criteria 13 December 2019. Collection method: clinical testing. Allele origin: germline.

NM_006949.4(STXBP2):c.1459G>T (p.Val487Leu)

Gene: STXBP2 (syntaxin binding protein 2; plus strand). Cytogenetic location: 19p13.2.
Variant type: single nucleotide variant.
Coding change: c.1459G>T on transcript NM_006949.4 (MANE Select); coding-DNA position 1459, G replaced by T.
Protein change: p.Val487Leu; replaces valine 487 with leucine.
Molecular consequence: missense variant. On other transcripts: non-coding transcript variant (1).
Genome position (GRCh38, 1-based): chr19:7,647,168, G>T. VCF-style: chr19-7647168-G-T. GRCh37 (hg19) VCF-style: chr19-7712054-G-T.
Other names: c.1450G>T, p.Val484Leu (NM_001127396.3); c.1492G>T, p.Val498Leu (NM_001272034.2); short protein forms V487L, V498L, V484L.
Identifiers: ClinVar variation 330558 (VCV000330558.7), dbSNP rs150174842, ClinGen allele CA10652337.